The following is an entry in ClinVar:

NM_001010892.3(RSPH4A):c.2T>C (p.Met1Thr)

Genes: RSPH4A (radial spoke head component 4A; plus strand), LOC129997051 (ATAC-STARR-seq lymphoblastoid active region 24997; plus strand). Cytogenetic location: 6q22.1.
Variant type: single nucleotide variant.
Coding change: c.2T>C on transcript NM_001010892.3 (MANE Select); coding-DNA position 2, T replaced by C.
Protein change: p.Met1Thr; changes the start codon (methionine 1).
Molecular consequence: missense variant, initiator codon variant.
Genome position (GRCh38, 1-based): chr6:116,616,625, T>C. VCF-style: chr6-116616625-T-C. GRCh37 (hg19) VCF-style: chr6-116937788-T-C.
Other names: c.2T>C, p.Met1Thr (NM_001161664.2); short protein forms M1T.
Identifiers: ClinVar variation 5018874 (VCV005018874.1).

ClinVar aggregate classification (germline): Likely pathogenic (1 of 4 stars; one submission).

Conditions:
Primary ciliary dyskinesia 11. Also called: CILIARY DYSKINESIA, PRIMARY, 11, WITHOUT SITUS INVERSUS. Identifiers: Orphanet 244, MedGen C2675229, MONDO:0012978, OMIM 612649.

Submission:

Juno Genomics, Hangzhou Juno Genomics, Inc
Classification: Likely pathogenic for Primary ciliary dyskinesia 11. Review status: criteria provided, single submitter. Criteria: ACMG Guidelines, 2015. Collection method: clinical testing. Allele origin: germline. Affected: yes.
Comment: Absent from controls (or at extremely low frequency if recessive) in Genome Aggregation Database.;Null variant in a gene where loss of function (LOF) is a known mechanism of disease.;For recessive disorders, detected in trans with a pathogenic variant.;Patient's phenotype or family history is highly specific for a disease with a single genetic etiology.